The following is an entry in ClinVar:

NM_022367.4(SEMA4A):c.139+5G>T

Gene: SEMA4A (semaphorin 4A; plus strand). Cytogenetic location: 1q22.
Variant type: single nucleotide variant.
Coding change: c.139+5G>T on transcript NM_022367.4 (MANE Select); 5 bases into the intron after coding-DNA position 139, G replaced by T.
Molecular consequence: intron variant.
Genome position (GRCh38, 1-based): chr1:156,154,722, G>T. VCF-style: chr1-156154722-G-T. GRCh37 (hg19) VCF-style: chr1-156124513-G-T.
Other names: c.-159+958G>T (NM_001193302.2); c.139+5G>T (NM_001370567.1, NM_001193300.2, NM_001193301.2); c.-386+5G>T (NM_001370571.1); c.-385-1692G>T (NM_001370569.1); c.-158-1692G>T (NM_001370568.1).
Identifiers: ClinVar variation 2859243 (VCV002859243.3), dbSNP rs1652855936, ClinGen allele CA2648353541.
Genomic context (GRCh38, chr1:156,154,722, plus strand): 5'-GACGACCGCGGGGGGAGGCGGGCAGGGGCCCATGCCCAGGGTCAGATACTATGCAGGTAA[G>T]TGTCCGACAGCAGGAAGTGTGGGGATAGCAATAGAGAGCTGGAGGTGGGTGGAGGAAGGA-3'

ClinVar aggregate classification (germline): Uncertain significance (1 of 4 stars; one submission).

Submission:

Labcorp Genetics (formerly Invitae), Labcorp
Classification: Uncertain significance. Last evaluated: 2023-05-05. Review status: criteria provided, single submitter. Criteria: Invitae Variant Classification Sherloc (09022015). Collection method: clinical testing. Allele origin: germline.
Comment: In summary, the available evidence is currently insufficient to determine the role of this variant in disease. Therefore, it has been classified as a Variant of Uncertain Significance. Variants that disrupt the consensus splice site are a relatively common cause of aberrant splicing (PMID: 17576681, 9536098). Algorithms developed to predict the effect of sequence changes on RNA splicing suggest that this variant may disrupt the consensus splice site. This variant has not been reported in the literature in individuals affected with SEMA4A-related conditions. This variant is not present in population databases (gnomAD no frequency). This sequence change falls in intron 2 of the SEMA4A gene. It does not directly change the encoded amino acid sequence of the SEMA4A protein. It affects a nucleotide within the consensus splice site.

Literature cited by the submitters: PubMed 17576681; PubMed 9536098.